The following is an entry in ClinVar:

ClinVar aggregate classification (germline): Pathogenic. Review status: criteria provided, multiple submitters, no conflicts (2 of 4 stars). 2 submissions from 2 submitters: Pathogenic (2). Last evaluated 2026-09-08.

Conditions:
Fabry disease. Also called: ALPHA-GALACTOSIDASE A DEFICIENCY; ANDERSON-FABRY DISEASE; CERAMIDE TRIHEXOSIDASE DEFICIENCY; GLA DEFICIENCY; HEREDITARY DYSTOPIC LIPIDOSIS; Angiokeratoma corporis diffusum. Identifiers: Orphanet 324, MedGen C0002986, MONDO:0010526, OMIM 301500, HP:0001071. Disease mechanism: Fabry disease is due to inactivating mutations in the X-linked GLA gene resulting in deficiency of the enzyme Alpha Galactosidase-A., loss of function.

Submissions (2):

Genomenon, Inc
Classification: Pathogenic for Fabry disease. Last evaluated: 2026-09-08. Review status: criteria provided, single submitter. Criteria: Genomenon Sequence Variant Interpretation Standards - Updated. Collection method: curation. Allele origin: germline. Affected: yes.
Comment: GLA p.Trp47Ter (c.141G>A) is a nonsense variant that introduces a premature stop codon at amino acid position 47 and is predicted to result in a truncated or absent protein product. This variant has been observed in at least one proband with clinical features consistent with Fabry disease (PMID:20505683;22551898;39182239). Functional or patient cell studies have been reported (PMID:20505683). It is absent or not present at a significant frequency in gnomAD. In conclusion, we classify GLA p.Trp47Ter (c.141G>A) as a pathogenic variant.

3billion
Classification: Pathogenic for Fabry disease. Last evaluated: 2025-04-08. Review status: criteria provided, single submitter. Criteria: ACMG Guidelines, 2015. Collection method: clinical testing. Allele origin: germline. Affected: yes.
Comment: The variant is not observed in the gnomAD v4.1.0 dataset. Predicted Consequence/Location: top-gained (nonsense): predicted to result in a loss or disruption of normal protein function through nonsense-mediated decay (NMD) or protein truncation. Multiple pathogenic variants are reported downstream of the variant. The variant has been reported to be associated with GLA-related disorder (PMID: 20505683). Therefore, this variant is classified as Pathogenic according to the recommendation of ACMG/AMP guideline.

Literature cited by the submitters: PubMed 20505683 (cited by Genomenon, Inc and 3billion); PubMed 22551898 (cited by Genomenon, Inc); PubMed 39182239 (cited by Genomenon, Inc).

NM_000169.3(GLA):c.141G>A (p.Trp47Ter)

Genes: GLA (galactosidase alpha; minus strand), RPL36A-HNRNPH2 (RPL36A-HNRNPH2 readthrough; plus strand). Cytogenetic location: Xq22.1.
Variant type: single nucleotide variant.
Coding change: c.141G>A on transcript NM_000169.3 (MANE Select); coding-DNA position 141, G replaced by A.
Protein change: p.Trp47Ter; replaces tryptophan 47 with a stop codon.
Molecular consequence: nonsense. On other transcripts: non-coding transcript variant (3), intron variant (2).
Genome position (GRCh38, 1-based): chrX:101,407,763, C>T on the plus strand (G>A on the coding strand, the complement: GLA is on the minus strand). VCF-style: chrX-101407763-C-T. GRCh37 (hg19) VCF-style: chrX-100662751-C-T.
Other names: c.141G>A, p.Trp47Ter (NM_001406747.1, NM_001406748.1, NM_001406749.1); c.301-4173C>T (NM_001199973.2); c.178-4173C>T (NM_001199974.2); short protein forms W47*.
Identifiers: ClinVar variation 4087138 (VCV004087138.3).